The following is an entry in ClinVar:

ClinVar aggregate classification (germline): Likely benign. Review status: criteria provided, single submitter (1 of 4 stars). 2 submissions from 2 submitters: Likely benign (1). 1 of the submissions does not count toward it. Last evaluated 2026-01-17.

Conditions:
TRMU-related disorder. Also called: TRMU-related condition.

Allele frequency attached by ClinVar (database versions not stated): gnomAD exomes below 0.00001.
gnomAD v4.1: 5 of 1,613,824 alleles (0.00031%); highest among the groups gnomAD compares: East Asian, 0.0022%; no homozygotes.

Submissions (2):

Labcorp Genetics (formerly Invitae), Labcorp
Classification: Likely benign. Last evaluated: 2026-01-17. Review status: criteria provided, single submitter. Criteria: Invitae Variant Classification Sherloc (09022015). Collection method: clinical testing. Allele origin: germline.

PreventionGenetics, part of Exact Sciences
Classification: Likely benign for TRMU-related condition. Last evaluated: 2023-05-01. Review status: no assertion criteria provided. Collection method: clinical testing. Allele origin: germline. Not counted in ClinVar's aggregate classification.
Comment: This variant is classified as likely benign based on ACMG/AMP sequence variant interpretation guidelines (Richards et al. 2015 PMID: 25741868, with internal and published modifications).

NM_018006.5(TRMU):c.783G>A (p.Leu261=)

Gene: TRMU (tRNA mitochondrial 2-thiouridylase; plus strand). Cytogenetic location: 22q13.31.
Variant type: single nucleotide variant.
Coding change: c.783G>A on transcript NM_018006.5 (MANE Select); coding-DNA position 783, G replaced by A.
Protein change: p.Leu261=; no amino-acid change (leucine 261 retained).
Molecular consequence: synonymous variant. On other transcripts: non-coding transcript variant (2).
Genome position (GRCh38, 1-based): chr22:46,353,777, G>A. VCF-style: chr22-46353777-G-A. GRCh37 (hg19) VCF-style: chr22-46749674-G-A.
Other names: c.783G>A (NM_018006.4); c.*227G>A (NM_001008568.2); c.*321G>A (NM_001008570.2); c.441G>A, p.Leu147= (NM_001282782.2); c.363G>A, p.Leu121= (NM_001282783.2, NM_001282784.2); c.783G>A, p.Leu261= (NM_001282785.2).
Identifiers: ClinVar variation 2822283 (VCV002822283.5), dbSNP rs1569084840, ClinGen allele CA514925611.